The following is an entry in ClinVar:

NM_000199.5(SGSH):c.111T>A (p.Ser37Arg)

Gene: SGSH (N-sulfoglucosamine sulfohydrolase; minus strand). Cytogenetic location: 17q25.3.
Variant type: single nucleotide variant.
Coding change: c.111T>A on transcript NM_000199.5 (MANE Select); coding-DNA position 111, T replaced by A.
Protein change: p.Ser37Arg; replaces serine 37 with arginine.
Molecular consequence: missense variant. On other transcripts: non-coding transcript variant (1).
Genome position (GRCh38, 1-based): chr17:80,217,170, A>T on the plus strand (T>A on the coding strand, the complement: SGSH is on the minus strand). VCF-style: chr17-80217170-A-T. GRCh37 (hg19) VCF-style: chr17-78190969-A-T.
Other names: p.Ser37Arg; c.111T>A, p.Ser37Arg (NM_001352921.3, NM_001352922.2); short protein forms S37R.
Identifiers: ClinVar variation 659876 (VCV000659876.10), dbSNP rs1434209913, ClinGen allele CA401364679.

ClinVar aggregate classification (germline): Conflicting classifications of pathogenicity. Review status: criteria provided, conflicting classifications (1 of 4 stars). 3 submissions from 3 submitters: Likely pathogenic (1); Uncertain significance (2). Last evaluated 2025-09-02.

Conditions:
Mucopolysaccharidosis, MPS-III-A (MPS3A). Also called: Mucopolysaccharidosis, type IIIA; MPS IIIA (Sanfilippo Syndrome Type A); MPS III A; SANFILIPPO SYNDROME A; SULFAMIDASE DEFICIENCY; Mucopolysaccharidosis type IIIA (Sanfilippo A). Identifiers: Orphanet 581, Orphanet 79269, MedGen C0086647, MONDO:0009655, OMIM 252900.

Allele frequency attached by ClinVar (database versions not stated): gnomAD exomes below 0.00001.
gnomAD v4.1: 4 of 1,601,390 alleles (0.00025%); highest among the groups gnomAD compares: South Asian, 0.0034%; no homozygotes.

Submissions (3):

Labcorp Genetics (formerly Invitae), Labcorp
Classification: Likely pathogenic for Mucopolysaccharidosis, MPS-III-A. Last evaluated: 2025-09-02. Review status: criteria provided, single submitter. Criteria: Invitae Variant Classification Sherloc (09022015). Collection method: clinical testing. Allele origin: germline.
Comment: This sequence change replaces serine, which is neutral and polar, with arginine, which is basic and polar, at codon 37 of the SGSH protein (p.Ser37Arg). The frequency data for this variant in the population databases is considered unreliable, as metrics indicate poor data quality at this position in the gnomAD database. This missense change has been observed in individual(s) with clinical features of mucopolysaccharidosis (PMID: 34276053; internal data). In at least one individual the data is consistent with being in trans (on the opposite chromosome) from a pathogenic variant. ClinVar contains an entry for this variant (Variation ID: 659876). Invitae Evidence Modeling of protein sequence and biophysical properties (such as structural, functional, and spatial information, amino acid conservation, physicochemical variation, residue mobility, and thermodynamic stability) indicates that this missense variant is expected to disrupt SGSH protein function with a positive predictive value of 95%. In summary, the currently available evidence indicates that the variant is pathogenic, but additional data are needed to prove that conclusively. Therefore, this variant has been classified as Likely Pathogenic.

Foundation for Research in Genetics and Endocrinology, FRIGE's Institute of Human Genetics
Classification: Uncertain significance for Mucopolysaccharidosis, MPS-III-A. Last evaluated: 2023-07-27. Review status: criteria provided, single submitter. Criteria: ACMG Guidelines, 2015. Collection method: clinical testing. Allele origin: germline. Inheritance: Autosomal recessive inheritance. Affected: yes. Observed: 1 homozygote.
Comment: A Homozygous variation in exon 2 of the SGSH gene that results in the amino acid substitution of Arginine for Serine at codon 37 was detected. The observed variant c.111T>A (p.Ser37Arg) has not been reported in the 1000 genomes and has MAF of 0.0004% in the gnomAD databases. The in silico prediction of the variant is disease causing by PolyPhen-2, CADD, DANN and MutationTaster. In summary, the variant meets our criteria to be classified as variant of uncertain significance.

Genome-Nilou Lab
Classification: Uncertain significance for Mucopolysaccharidosis, MPS-III-A. Last evaluated: 2021-11-07. Review status: criteria provided, single submitter. Criteria: ACMG Guidelines, 2015. Collection method: clinical testing. Allele origin: germline. Affected: no.

Literature cited by the submitters: PubMed 34276053 (cited by Labcorp Genetics (formerly Invitae), Labcorp).